The following is an entry in ClinVar:

ClinVar aggregate classification (germline): Uncertain significance (1 of 4 stars; one submission).

Submission:

Labcorp Genetics (formerly Invitae), Labcorp
Classification: Uncertain significance. Last evaluated: 2021-05-16. Review status: criteria provided, single submitter. Criteria: Invitae Variant Classification Sherloc (09022015). Collection method: clinical testing. Allele origin: germline.
Comment: This sequence change replaces leucine with valine at codon 37 of the MOCS2A protein (p.Leu37Val). The leucine residue is weakly conserved and there is a small physicochemical difference between leucine and valine. This variant is not present in population databases (ExAC no frequency). This variant has not been reported in the literature in individuals with MOCS2A-related conditions. Algorithms developed to predict the effect of missense changes on protein structure and function are either unavailable or do not agree on the potential impact of this missense change (SIFT: "Tolerated"; PolyPhen-2: "Possibly Damaging"; Align-GVGD: "Class C15"). In summary, the available evidence is currently insufficient to determine the role of this variant in disease. Therefore, it has been classified as a Variant of Uncertain Significance. Algorithms developed to predict the effect of sequence changes on RNA splicing suggest that this variant may create or strengthen a splice site, but this prediction has not been confirmed by published transcriptional studies.

NM_176806.4(MOCS2):c.109C>G (p.Leu37Val)

Gene: MOCS2 (molybdenum cofactor synthesis 2; minus strand). Cytogenetic location: 5q11.2.
Variant type: single nucleotide variant.
Coding change: c.109C>G on transcript NM_176806.4 (MANE Plus Clinical); coding-DNA position 109, C replaced by G.
Protein change: p.Leu37Val; replaces leucine 37 with valine.
Molecular consequence: missense variant. On other transcripts: 5 prime UTR variant (1).
Genome position (GRCh38, 1-based): chr5:53,108,553, G>C on the plus strand (C>G on the coding strand, the complement: MOCS2 is on the minus strand). VCF-style: chr5-53108553-G-C. GRCh37 (hg19) VCF-style: chr5-52404383-G-C.
Other names: c.-79C>G (NM_004531.5); short protein forms L37V.
Identifiers: ClinVar variation 1477736 (VCV001477736.8), dbSNP rs2112092880, ClinGen allele CA359694046.